The following is an entry in ClinVar:

NM_014297.5(ETHE1):c.3G>T (p.Met1Ile)

Genes: ETHE1 (ETHE1 persulfide dioxygenase; minus strand), LOC130064595 (ATAC-STARR-seq lymphoblastoid silent region 10721; plus strand). Cytogenetic location: 19q13.31.
Variant type: single nucleotide variant.
Coding change: c.3G>T on transcript NM_014297.5 (MANE Select); coding-DNA position 3, G replaced by T.
Protein change: p.Met1Ile; changes the start codon (methionine 1).
Molecular consequence: missense variant, initiator codon variant. On other transcripts: 5 prime UTR variant (1).
Genome position (GRCh38, 1-based): chr19:43,527,175, C>A on the plus strand (G>T on the coding strand, the complement: ETHE1 is on the minus strand). VCF-style: chr19-43527175-C-A. GRCh37 (hg19) VCF-style: chr19-44031327-C-A.
Other names: p.M1I:ATG>ATT; c.3G>T, p.Met1Ile (NM_001320867.2, NM_001320869.2); c.-218G>T (NM_001320868.2); c.3G>T (NM_014297.4); short protein forms M1I.
Identifiers: ClinVar variation 2318 (VCV000002318.6), dbSNP rs119103249, ClinGen allele CA115480.

ClinVar aggregate classification (germline): Pathogenic. Review status: criteria provided, multiple submitters, no conflicts (2 of 4 stars). 5 submissions from 5 submitters: Pathogenic (3). 2 of the submissions do not count toward it. Last evaluated 2024-06-15.

Conditions:
Ethylmalonic encephalopathy (EE). Also called: Syndrome of encephalopathy, petechiae, and ethylmalonic aciduria; EPEMA syndrome; Encephalopathy, petechiae, and ethylmalonic aciduria. Identifiers: Orphanet 51188, MedGen C1865349, MONDO:0011229, OMIM 602473. Disease mechanism: loss of function.

Allele frequency attached by ClinVar (database versions not stated): ExAC below 0.00001; gnomAD exomes below 0.00001 and 0.00001.

Submissions (5):

Natera, Inc.
Classification: Pathogenic for Ethylmalonic encephalopathy. Last evaluated: 2024-06-15. Review status: criteria provided, single submitter. Criteria: Natera Variant Classification Schema (03/2026). Collection method: clinical testing. Allele origin: germline.
Comment: The c.3G>T variant in ETHE1 is predicted to result in start loss due to disruption of the initiator methionine. This variant is expected to result in nonsense mediated decay, truncation, or a dysfunctional protein product. This variant is rare in the general population with a frequency below the threshold expected for the associated phenotype(s). This variant has been observed in one or more individuals affected with the associated recessive disease, as either homozygous or compound heterozygous with a second variant (PMID: 14732903, 25058219). Given the available evidence, this variant is classified as Pathogenic.

Intergen Genetics and Rare Diseases Diagnosis Center
Classification: Pathogenic for Ethylmalonic encephalopathy. Last evaluated: 2023-11-07. Review status: criteria provided, single submitter. Criteria: ACMG Guidelines, 2015. Collection method: clinical testing. Allele origin: biparental. Inheritance: Autosomal recessive inheritance. Affected: yes. Observed: 1 homozygote.

GeneDx
Classification: Pathogenic. Last evaluated: 2019-01-03. Review status: criteria provided, single submitter. Criteria: GeneDx Variant Classification (06012015). Collection method: clinical testing. Allele origin: germline. Affected: yes.
Comment: p.Met1? (ATG>ATT): c.3 G>T in exon 1 of the ETHE1 gene (NM_014297.3). The c.3 G>T mutation in the ETHE1 gene has been reported previously in association with ethylmalonic encephalopathy (Tiranti et al., 2004). The mutation alters the initiator Methionine codon, and the resultant protein would be described as p.Met1?" using a question mark to signify that it is not known if the loss of Met1 means that all protein translation is completely prevented or if an abnormal protein is produced using an alternate Met. This result is expected consistent with a diagnosis of ethylmalonic encephalopathy. The variant is found in MITONUC-MITOP panel(s)."

OMIM
Classification: Pathogenic for ENCEPHALOPATHY, ETHYLMALONIC. Last evaluated: 2004-02-01. Review status: no assertion criteria provided. Collection method: literature only. Allele origin: germline. Not counted in ClinVar's aggregate classification.

GeneReviews
No classification provided. Condition: Ethylmalonic encephalopathy. Review status: no classification provided. Collection method: literature only. Allele origin: germline. Not counted in ClinVar's aggregate classification.

Literature cited by the submitters: PubMed 14732903 (cited by Natera, Inc. and OMIM); PubMed 25058219 (cited by Natera, Inc.); NCBI Bookshelf NBK453432 (cited by GeneReviews); PubMed 28933811 (cited by GeneReviews).